The following is an entry in ClinVar:

ClinVar aggregate classification (germline): Uncertain significance (1 of 4 stars; one submission).

Conditions:
Inborn genetic diseases. Identifiers: MedGen C0950123, MeSH D030342.

Submission:

Ambry Genetics
Classification: Uncertain significance for Inborn genetic diseases. Last evaluated: 2026-08-04. Review status: criteria provided, single submitter. Criteria: Ambry Variant Classification Scheme 2023. Collection method: clinical testing. Allele origin: germline.
Comment: The c.1522C>T (p.L508F) alteration is located in exon 13 (coding exon 12) of the DNMT3A gene. This alteration results from a C to T substitution at nucleotide position 1522, causing the leucine (L) at amino acid position 508 to be replaced by a phenylalanine (F). This variant was not reported in population-based cohorts in the Genome Aggregation Database (gnomAD). Another variant at the same codon, c.1523T>C (p.L508P), has been identified in individual(s) with features consistent with Tatton-Brown-Rahman syndrome (Tatton-Brown, 2018). This amino acid position is highly conserved in available vertebrate species. Based on internal structural analysis, this variant is anticipated to result in a significant decrease in structural stability (Ambry internal data). This alteration is predicted to be deleterious by in silico analysis. Based on insufficient or conflicting evidence, the clinical significance of this alteration remains unclear.

Literature cited by the submitters: PubMed 29900417.

NM_022552.5(DNMT3A):c.1522C>T (p.Leu508Phe)

Gene: DNMT3A (DNA methyltransferase 3 alpha; minus strand). Cytogenetic location: 2p23.3.
Variant type: single nucleotide variant.
Coding change: c.1522C>T on transcript NM_022552.5 (MANE Select); coding-DNA position 1522, C replaced by T.
Protein change: p.Leu508Phe; replaces leucine 508 with phenylalanine.
Molecular consequence: missense variant. On other transcripts: non-coding transcript variant (1).
Genome position (GRCh38, 1-based): chr2:25,245,285, G>A on the plus strand (C>T on the coding strand, the complement: DNMT3A is on the minus strand). VCF-style: chr2-25245285-G-A. GRCh37 (hg19) VCF-style: chr2-25468154-G-A.
Other names: c.1066C>T, p.Leu356Phe (NM_001320893.1); c.853C>T, p.Leu285Phe (NM_001375819.1); c.955C>T, p.Leu319Phe (NM_153759.3); c.1522C>T, p.Leu508Phe (NM_175629.2); short protein forms L356F, L508F, L285F, L319F.
Identifiers: ClinVar variation 5035542 (VCV005035542.1).